The following is an entry in ClinVar:

NM_000322.5(PRPH2):c.371del (p.Gly124fs)

Gene: PRPH2 (peripherin 2; minus strand). Cytogenetic location: 6p21.1.
Variant type: Deletion.
Coding change: c.371del on transcript NM_000322.5 (MANE Select); coding-DNA position 371, one base deleted (G; older notation c.371delG).
Protein change: p.Gly124fs; shifts the reading frame from glycine 124.
Molecular consequence: frameshift variant.
Genome position (GRCh38, 1-based): chr6:42,721,964, C deleted on the plus strand (G on the coding strand, the reverse complement: PRPH2 is on the minus strand); the first of 4 consecutive C bases (chr6:42,721,964-42,721,967); deleting any one gives the same sequence. VCF-style (leftmost placement, unchanged base first): chr6-42721963-GC-G. GRCh37 (hg19) VCF-style: chr6-42689701-GC-G.
Other names: c.371del (NM_000322.4); short protein forms G124fs.
Identifiers: ClinVar variation 98661 (VCV000098661.35), dbSNP rs61755778, ClinGen allele CA226225.

ClinVar aggregate classification (germline): Pathogenic. Review status: criteria provided, multiple submitters, no conflicts (2 of 4 stars). 4 submissions from 4 submitters: Pathogenic (2). 2 of the submissions do not count toward it. Last evaluated 2022-02-01.

Conditions:
Retinal dystrophy. Also called: Inherited retinal dystrophy. Identifiers: Orphanet 71862, MedGen C0854723, MeSH D058499, MONDO:0019118, HP:0000556.

Submissions (4):

CeGaT Center for Human Genetics Tuebingen
Classification: Pathogenic. Last evaluated: 2022-02-01. Review status: criteria provided, single submitter. Criteria: CeGaT Center For Human Genetics Tuebingen Variant Classification Criteria Version 2. Collection method: clinical testing. Allele origin: germline. Affected: yes. Observed: 1 variant allele.

Institute of Human Genetics, Univ. Regensburg, Univ. Regensburg
Classification: Pathogenic for Retinal dystrophy. Last evaluated: 2022-01-01. Review status: criteria provided, single submitter. Criteria: ACMG Guidelines, 2015. Collection method: clinical testing. Allele origin: germline. Affected: yes.

Leiden Open Variation Database
Classification: Pathogenic. Last evaluated: 2021-04-06. Review status: no assertion criteria provided. Collection method: curation. Allele origin: germline. Affected: yes. Not counted in ClinVar's aggregate classification.
Comment: Curator: Global Variome, with Curator vacancy. Submitter to LOVD: Manon Peeters.

Retina International
No classification provided. Review status: no classification provided. Collection method: not provided. Allele origin: not provided. Not counted in ClinVar's aggregate classification.

Literature cited by the submitters: PubMed 9831753 (cited by Institute of Human Genetics, Univ. Regensburg, Univ. Regensburg); PubMed 34411390 (cited by Institute of Human Genetics, Univ. Regensburg, Univ. Regensburg); PubMed 34240658 (cited by Institute of Human Genetics, Univ. Regensburg, Univ. Regensburg); PubMed 19038374 (cited by Leiden Open Variation Database).